The following is an entry in ClinVar:

ClinVar aggregate classification (germline): Uncertain significance. Review status: criteria provided, multiple submitters, no conflicts (2 of 4 stars). 2 submissions from 2 submitters: Uncertain significance (2). Last evaluated 2024-04-12.

Conditions:
Glycogen storage disease, type V (GSD5). Also called: MCARDLE DISEASE; MUSCLE GLYCOGEN PHOSPHORYLASE DEFICIENCY; MYOPHOSPHORYLASE DEFICIENCY; PYGM DEFICIENCY; McArdle type glycogen storage disease. Identifiers: Orphanet 368, MedGen C0017924, MONDO:0009293, OMIM 232600.

Allele frequency attached by ClinVar (database versions not stated): gnomAD exomes below 0.00001; ExAC 0.00004.
gnomAD v4.1: 7 of 1,578,888 alleles (0.00044%); highest among the groups gnomAD compares: South Asian, 0.0035%; no homozygotes.

Submissions (2):

Fulgent Genetics
Classification: Uncertain significance for Glycogen storage disease, type V. Last evaluated: 2024-04-12. Review status: criteria provided, single submitter. Criteria: ACMG Guidelines, 2015. Collection method: clinical testing. Allele origin: germline.

Labcorp Genetics (formerly Invitae), Labcorp
Classification: Uncertain significance for Glycogen storage disease, type V. Last evaluated: 2022-08-19. Review status: criteria provided, single submitter. Criteria: Invitae Variant Classification Sherloc (09022015). Collection method: clinical testing. Allele origin: germline.
Comment: This sequence change replaces arginine, which is basic and polar, with cysteine, which is neutral and slightly polar, at codon 410 of the PYGM protein (p.Arg410Cys). The frequency data for this variant in the population databases is considered unreliable, as metrics indicate poor data quality at this position in the gnomAD database. This variant has not been reported in the literature in individuals affected with PYGM-related conditions. Algorithms developed to predict the effect of missense changes on protein structure and function are either unavailable or do not agree on the potential impact of this missense change (SIFT: "Not Available"; PolyPhen-2: "Probably Damaging"; Align-GVGD: "Not Available"). In summary, the available evidence is currently insufficient to determine the role of this variant in disease. Therefore, it has been classified as a Variant of Uncertain Significance.

NM_005609.4(PYGM):c.1228C>T (p.Arg410Cys)

Gene: PYGM (glycogen phosphorylase, muscle associated; minus strand). Cytogenetic location: 11q13.1.
Variant type: single nucleotide variant.
Coding change: c.1228C>T on transcript NM_005609.4 (MANE Select); coding-DNA position 1228, C replaced by T.
Protein change: p.Arg410Cys; replaces arginine 410 with cysteine.
Molecular consequence: missense variant.
Genome position (GRCh38, 1-based): chr11:64,753,890, G>A on the plus strand (C>T on the coding strand, the complement: PYGM is on the minus strand). VCF-style: chr11-64753890-G-A. GRCh37 (hg19) VCF-style: chr11-64521362-G-A.
Other names: c.964C>T, p.Arg322Cys (NM_001164716.1); short protein forms R322C, R410C.
Identifiers: ClinVar variation 2202474 (VCV002202474.2), dbSNP rs764712114, ClinGen allele CA6079965.